The following is an entry in ClinVar:

NM_207361.6(FREM2):c.2823C>T (p.Pro941=)

Gene: FREM2 (FRAS1 related extracellular matrix 2; plus strand). Cytogenetic location: 13q13.3.
Variant type: single nucleotide variant.
Coding change: c.2823C>T on transcript NM_207361.6 (MANE Select); coding-DNA position 2823, C replaced by T.
Protein change: p.Pro941=; no amino-acid change (proline 941 retained).
Molecular consequence: synonymous variant.
Genome position (GRCh38, 1-based): chr13:38,690,167, C>T. VCF-style: chr13-38690167-C-T. GRCh37 (hg19) VCF-style: chr13-39264304-C-T.
Other names: p.Pro941=.
Identifiers: ClinVar variation 193529 (VCV000193529.26), dbSNP rs150154438, ClinGen allele CA239071.

ClinVar aggregate classification (germline): Conflicting classifications of pathogenicity. Review status: criteria provided, conflicting classifications (1 of 4 stars). 8 submissions from 8 submitters: Uncertain significance (2); Benign (1); Likely benign (4). 1 of the submissions does not count toward it. Last evaluated 2026-01-20.

Conditions:
Fraser syndrome 2 (FRASRS2). Identifiers: MedGen C4540036, MONDO:0054738, OMIM 617666.
FREM2-related disorder. Also called: FREM2-related condition.

Allele frequency attached by ClinVar (database versions not stated): gnomAD exomes 0.00007 and 0.00019; ExAC 0.00025; gnomAD 0.00076 and 0.00079; TOPMed 0.00077; ESP Exome Variant Server 0.00092; 1000 Genomes Project 0.00120; 1000 Genomes Project 30x 0.00141.
gnomAD v4.1: 215 of 1,614,080 alleles (0.013%); highest among the groups gnomAD compares: African/African-American, 0.26%; 1 homozygote.

Submissions (8):

Labcorp Genetics (formerly Invitae), Labcorp
Classification: Benign. Last evaluated: 2026-01-20. Review status: criteria provided, single submitter. Criteria: Invitae Variant Classification Sherloc (09022015). Collection method: clinical testing. Allele origin: germline.

Women's Health and Genetics/Laboratory Corporation of America, LabCorp
Classification: Likely benign. Last evaluated: 2025-12-03. Review status: criteria provided, single submitter. Criteria: LabCorp Variant Classification Summary - May 2015. Collection method: clinical testing. Allele origin: germline.

Mayo Clinic Laboratories, Mayo Clinic
Classification: Likely benign. Last evaluated: 2025-03-03. Review status: criteria provided, single submitter. Criteria: ACMG Guidelines, 2015. Collection method: clinical testing. Allele origin: germline. Observed: 1 variant allele.
Comment: BS1, BP4, BP7

Blueprint Genetics
Classification: Likely benign. Last evaluated: 2024-10-24. Review status: criteria provided, single submitter. Criteria: ACMG Guidelines, 2015. Collection method: clinical testing. Allele origin: germline.

Genetic Services Laboratory, University of Chicago
Classification: Likely benign. Last evaluated: 2019-02-18. Review status: criteria provided, single submitter. Criteria: ACMG Guidelines, 2015. Collection method: clinical testing. Allele origin: germline. Affected: no.

Illumina Laboratory Services, Illumina
Classification: Uncertain significance for Fraser syndrome 2. Last evaluated: 2018-01-13. Review status: criteria provided, single submitter. Criteria: ICSL Variant Classification Criteria 13 December 2019. Collection method: clinical testing. Allele origin: germline.

Eurofins Ntd Llc (ga)
Classification: Uncertain significance. Last evaluated: 2015-02-23. Review status: criteria provided, single submitter. Criteria: EGL Classification Definitions 2015. Collection method: clinical testing. Allele origin: germline. Observed: 1 variant allele, 1 heterozygote.

PreventionGenetics, part of Exact Sciences
Classification: Likely benign for FREM2-related condition. Last evaluated: 2020-01-29. Review status: no assertion criteria provided. Collection method: clinical testing. Allele origin: germline. Not counted in ClinVar's aggregate classification.
Comment: This variant is classified as likely benign based on ACMG/AMP sequence variant interpretation guidelines (Richards et al. 2015 PMID: 25741868, with internal and published modifications).